The following is an entry in ClinVar:

NM_201596.3(CACNB2):c.1659_1662dup (p.Phe555fs)

Gene: CACNB2 (calcium voltage-gated channel auxiliary subunit beta 2; plus strand). Cytogenetic location: 10p12.31.
Variant type: Duplication.
Coding change: c.1659_1662dup on transcript NM_201596.3 (MANE Select); coding-DNA positions 1659 to 1662, 4 bases duplicated (GACA; older notation c.1659_1662dupGACA).
Protein change: p.Phe555fs; shifts the reading frame from phenylalanine 555.
Molecular consequence: frameshift variant.
Genome position (GRCh38, 1-based): chr10:18,539,400-18,539,403, GACA duplicated; duplicating any 4 consecutive bases within chr10:18,539,399-18,539,403 gives the same sequence; the c. name uses the placement nearest the transcript's 3' end. VCF-style (leftmost placement, unchanged base first): chr10-18539398-G-GAGAC. GRCh37 (hg19) VCF-style: chr10-18828327-G-GAGAC.
Other names: c.1494_1497dup, p.Phe500fs (NM_000724.4); c.1461_1464dup, p.Phe489fs (NM_001167945.2); c.1380_1383dup, p.Phe462fs (NM_001330060.2); c.1401_1404dup, p.Phe469fs (NM_001410882.1); c.1515_1518dup, p.Phe507fs (NM_201570.3); c.1575_1578dup, p.Phe527fs (NM_201571.4); c.1503_1506dup, p.Phe503fs (NM_201572.4); c.1497_1500dup, p.Phe501fs (NM_201590.3); and 2 more; short protein forms F462fs, F555fs, F489fs, F500fs, F531fs, F469fs, F501fs, F503fs.
Identifiers: ClinVar variation 2447821 (VCV002447821.2), dbSNP rs1564677253, ClinGen allele CA592060476.

ClinVar aggregate classification (germline): Uncertain significance (1 of 4 stars; one submission).

Conditions:
Cardiovascular phenotype. Identifiers: MedGen CN230736.

Submission:

Ambry Genetics
Classification: Uncertain significance for Cardiovascular phenotype. Last evaluated: 2023-01-19. Review status: criteria provided, single submitter. Criteria: Ambry Variant Classification Scheme 2023. Collection method: clinical testing. Allele origin: germline.
Comment: The c.1497_1500dupGACA variant, located in coding exon 13 of the CACNB2 gene, results from a duplication of GACA at nucleotide position 1497, causing a translational frameshift with a predicted alternate stop codon (p.F501Dfs*3). This alteration occurs at the 3' terminus of theCACNB2 gene, is not expected to trigger nonsense-mediated mRNAdecay, and only impacts the last 106 amino acids of the protein. The exact functional effect of this alteration is unknown. Furthermore, loss of function of CACNB2 has not been established as a mechanism of disease. The evidence for this gene-disease relationship is limited; therefore, the clinical significance of this alteration is unclear.